The following is an entry in ClinVar:

ClinVar aggregate classification (germline): Conflicting classifications of pathogenicity. Review status: criteria provided, conflicting classifications (1 of 4 stars). 6 submissions from 6 submitters: Pathogenic (1); Likely pathogenic (2); Uncertain significance (2). 1 of the submissions does not count toward it. Last evaluated 2024-06-12.

Conditions:
CDC45-related disorder. Also called: CDC45-related condition.
Meier-Gorlin syndrome 7. Identifiers: Orphanet 2554, MedGen C4310738, MONDO:0014894, OMIM 617063. Disease mechanism: loss of function.

Allele frequency attached by ClinVar (database versions not stated): ExAC 0.00003; TOPMed 0.00004; gnomAD 0.00005 and 0.00006; gnomAD exomes 0.00006.
gnomAD v4.1: 48 of 1,613,934 alleles (0.003%); highest among the groups gnomAD compares: African/African-American, 0.0053%; no homozygotes.

Submissions (6):

Labcorp Genetics (formerly Invitae), Labcorp
Classification: Likely pathogenic. Last evaluated: 2024-06-12. Review status: criteria provided, single submitter. Criteria: Invitae Variant Classification Sherloc (09022015). Collection method: clinical testing. Allele origin: germline.
Comment: This sequence change replaces arginine, which is basic and polar, with tryptophan, which is neutral and slightly polar, at codon 586 of the CDC45 protein (p.Arg586Trp). This variant is present in population databases (rs778665661, gnomAD 0.08%). This missense change has been observed in individual(s) with Meier-Gorlin syndrome (PMID: 27374770). It has also been observed to segregate with disease in related individuals. This variant is also known as c.1660C>T (p.Arg554Trp). ClinVar contains an entry for this variant (Variation ID: 253101). An algorithm developed to predict the effect of missense changes on protein structure and function (PolyPhen-2) suggests that this variant is likely to be disruptive. In summary, the currently available evidence indicates that the variant is pathogenic, but additional data are needed to prove that conclusively. Therefore, this variant has been classified as Likely Pathogenic.

GeneDx
Classification: Uncertain significance. Last evaluated: 2022-08-17. Review status: criteria provided, single submitter. Criteria: GeneDx Variant Classification Process June 2021. Collection method: clinical testing. Allele origin: germline. Affected: yes.
Comment: In silico analysis supports that this missense variant has a deleterious effect on protein structure/function; This variant is associated with the following publications: (PMID: 34426522, 27374770)

Blueprint Genetics
Classification: Pathogenic for CDC45-related disorders. Last evaluated: 2020-12-21. Review status: criteria provided, single submitter. Criteria: ACMG Guidelines, 2015. Collection method: clinical testing. Allele origin: germline. Affected: yes. Observed: 1 variant allele.

CeGaT Center for Human Genetics Tuebingen
Classification: Likely pathogenic. Last evaluated: 2019-04-01. Review status: criteria provided, single submitter. Criteria: CeGaT Center For Human Genetics Tuebingen Variant Classification Criteria Version 2. Collection method: clinical testing. Allele origin: germline. Affected: yes. Observed: 1 variant allele.

SIB Swiss Institute of Bioinformatics
Classification: Uncertain significance for Meier-Gorlin syndrome 7. Last evaluated: 2018-10-15. Review status: criteria provided, single submitter. Criteria: ACMG Guidelines, 2015. Collection method: curation. Allele origin: unknown.
Comment: This variant is interpreted as Uncertain Significance - Insufficient Evidence, for Meier-Gorlin syndrome 7, autosomal recessive. The following ACMG Tag(s) were applied: PM2 => Absent from controls (or at extremely low frequency if recessive) in Exome Sequencing Project, 1000 Genomes Project, or Exome Aggregation Consortium

OMIM
Classification: Pathogenic for MEIER-GORLIN SYNDROME 7. Last evaluated: 2016-10-20. Review status: no assertion criteria provided. Collection method: literature only. Allele origin: germline. Not counted in ClinVar's aggregate classification.

Literature cited by the submitters: PubMed 27374770 (cited by Labcorp Genetics (formerly Invitae), Labcorp and OMIM).

NM_003504.5(CDC45):c.1660C>T (p.Arg554Trp)

Gene: CDC45 (cell division cycle 45; plus strand). Cytogenetic location: 22q11.21.
Variant type: single nucleotide variant.
Coding change: c.1660C>T on transcript NM_003504.5 (MANE Select); coding-DNA position 1660, C replaced by T.
Protein change: p.Arg554Trp; replaces arginine 554 with tryptophan.
Molecular consequence: missense variant. On other transcripts: non-coding transcript variant (1).
Genome position (GRCh38, 1-based): chr22:19,518,867, C>T. VCF-style: chr22-19518867-C-T. GRCh37 (hg19) VCF-style: chr22-19506390-C-T.
Other names: c.1756C>T, p.Arg586Trp (NM_001178010.2); c.1522C>T, p.Arg508Trp (NM_001178011.2); c.1624C>T, p.Arg542Trp (NM_001369291.1); short protein forms R554W, R586W, R542W, R508W.
Identifiers: ClinVar variation 253101 (VCV000253101.52), dbSNP rs778665661, ClinGen allele CA10101550.